The following is an entry in ClinVar:

NM_003482.4(KMT2D):c.8148_8149delinsCT (p.Pro2717Ser)

Gene: KMT2D (lysine methyltransferase 2D; minus strand). Cytogenetic location: 12q13.12.
Variant type: Indel.
Coding change: c.8148_8149delinsCT on transcript NM_003482.4 (MANE Select); coding-DNA positions 8148 to 8149, TC replaced by CT.
Protein change: p.Pro2717Ser; replaces proline 2717 with serine.
Molecular consequence: missense variant.
Genome position (GRCh38, 1-based): chr12:49,039,515-49,039,516, GA replaced by AG on the plus strand (TC replaced by CT on the coding strand, the reverse complement: KMT2D is on the minus strand). VCF-style: chr12-49039515-GA-AG. GRCh37 (hg19) VCF-style: chr12-49433298-GA-AG.
Other names: c.8148_8149delTCinsCT (NM_003482.3); short protein forms P2717S.
Identifiers: ClinVar variation 94258 (VCV000094258.19), dbSNP rs398123761, ClinGen allele CA160573.
Genomic context (GRCh38, chr12:49,039,515, plus strand): 5'-TCTGGCCTCGACTCAGCTGCTCAAAGGCAGGGCTGCTGGGCTCAGCACCCCAGCTGCCTG[GA>AG]GGCCCCACTGCTCCTGCAGCTGCTGCAGCTGTTTCCTTCTCCTGCCGCAGGGTGTTGCGC-3'
Protein context (NP_003473.3, residues 2707-2727): AAAAAGAVGP[Pro2717Ser]GSWGAEPSSP

ClinVar aggregate classification (germline): Benign/Likely benign. Review status: criteria provided, multiple submitters, no conflicts (2 of 4 stars). 6 submissions from 6 submitters: Benign (3); Likely benign (2). 1 of the submissions does not count toward it. Last evaluated 2026-02-01.

Conditions:
Kabuki syndrome. Also called: Kabuki make-up syndrome; NIIKAWA-KUROKI SYNDROME. Identifiers: Orphanet 2322, MedGen C0796004, MONDO:0016512.
Kabuki syndrome 1 (KABUK1). Also called: KMT2D-Related Kabuki Syndrome. Identifiers: Orphanet 2322, MedGen CN030661, MONDO:0007843, OMIM 147920.

Submissions (6):

Labcorp Genetics (formerly Invitae), Labcorp
Classification: Benign for Kabuki syndrome. Last evaluated: 2026-02-01. Review status: criteria provided, single submitter. Criteria: Invitae Variant Classification Sherloc (09022015). Collection method: clinical testing. Allele origin: germline.

Athena Diagnostics
Classification: Benign. Last evaluated: 2024-10-04. Review status: criteria provided, single submitter. Criteria: Athena Diagnostics Criteria. Collection method: clinical testing. Allele origin: unknown.

Fulgent Genetics
Classification: Likely benign for Kabuki syndrome 1. Last evaluated: 2021-11-19. Review status: criteria provided, single submitter. Criteria: ACMG Guidelines, 2015. Collection method: clinical testing. Allele origin: unknown.

GeneDx
Classification: Benign. Last evaluated: 2021-06-11. Review status: criteria provided, single submitter. Criteria: GeneDx Variant Classification Process June 2021. Collection method: clinical testing. Allele origin: germline. Affected: yes.
Comment: Has not been previously published as pathogenic or benign to our knowledge; This variant is associated with the following publications: (PMID: 24728327, 27535533)

Eurofins Ntd Llc (ga)
Classification: Likely benign. Last evaluated: 2017-02-27. Review status: criteria provided, single submitter. Criteria: EGL Classification Definitions 2015. Collection method: clinical testing. Allele origin: germline. Observed: 2 variant alleles, 2 heterozygotes.

ITMI
No classification provided. Condition: AllHighlyPenetrant. Last evaluated: 2013-09-19. Review status: no classification provided. Collection method: reference population. Allele origin: germline. Not counted in ClinVar's aggregate classification.
Comment: Please see associated publication for description of ethnicities

Literature cited by the submitters: PubMed 24728327 (cited by ITMI).